The following is an entry in ClinVar:

ClinVar aggregate classification (germline): Uncertain significance (1 of 4 stars; one submission).

Submission:

Labcorp Genetics (formerly Invitae), Labcorp
Classification: Uncertain significance. Last evaluated: 2022-02-10. Review status: criteria provided, single submitter. Criteria: Invitae Variant Classification Sherloc (09022015). Collection method: clinical testing. Allele origin: germline.
Comment: In summary, the available evidence is currently insufficient to determine the role of this variant in disease. Therefore, it has been classified as a Variant of Uncertain Significance. This sequence change replaces serine, which is neutral and polar, with phenylalanine, which is neutral and non-polar, at codon 304 of the SLC25A38 protein (p.Ser304Phe). This variant is not present in population databases (gnomAD no frequency). This variant has not been reported in the literature in individuals affected with SLC25A38-related conditions. Algorithms developed to predict the effect of missense changes on protein structure and function are either unavailable or do not agree on the potential impact of this missense change (SIFT: "Deleterious"; PolyPhen-2: "Probably Damaging"; Align-GVGD: "Class C15").

NM_017875.4(SLC25A38):c.911C>T (p.Ser304Phe)

Gene: SLC25A38 (solute carrier family 25 member 38; plus strand). Cytogenetic location: 3p22.1.
Variant type: single nucleotide variant.
Coding change: c.911C>T on transcript NM_017875.4 (MANE Select); coding-DNA position 911, C replaced by T.
Protein change: p.Ser304Phe; replaces serine 304 with phenylalanine.
Molecular consequence: missense variant. On other transcripts: 3 prime UTR variant (1).
Genome position (GRCh38, 1-based): chr3:39,396,516, C>T. VCF-style: chr3-39396516-C-T. GRCh37 (hg19) VCF-style: chr3-39438007-C-T.
Other names: c.*30C>T (NM_001354798.2); short protein forms S304F.
Identifiers: ClinVar variation 1410204 (VCV001410204.6), dbSNP rs2125584731, ClinGen allele CA352207740.